The following is an entry in ClinVar:

NM_014516.4(CNOT3):c.1000T>G (p.Leu334Val)

Gene: CNOT3 (CCR4-NOT transcription complex subunit 3; plus strand). Cytogenetic location: 19q13.42.
Variant type: single nucleotide variant.
Coding change: c.1000T>G on transcript NM_014516.4 (MANE Select); coding-DNA position 1000, T replaced by G.
Protein change: p.Leu334Val; replaces leucine 334 with valine.
Molecular consequence: missense variant.
Genome position (GRCh38, 1-based): chr19:54,148,253, T>G. VCF-style: chr19-54148253-T-G. GRCh37 (hg19) VCF-style: chr19-54651988-T-G.
Other names: short protein forms L334V.
Identifiers: ClinVar variation 2662602 (VCV002662602.2), dbSNP rs2517982380, ClinGen allele CA407763378.
Genomic context (GRCh38, chr19:54,148,253, plus strand): 5'-CCTCAGTCCCCAGCTGTGCCGCCCACCTACCCCTCCGGCCCCCCGCCTGCTGCCTCTGCC[T>G]TGAGCACCACTCCTGGCAACAATGGGGTCCCCGCCCCCGCAGCACCCCCAAGTGCCCTGG-3'
Protein context (NP_055331.1, residues 324-344): PSGPPPAASA[Leu334Val]STTPGNNGVP

ClinVar aggregate classification (germline): Uncertain significance (1 of 4 stars; one submission).

Submission:

GeneDx
Classification: Uncertain significance. Last evaluated: 2024-12-16. Review status: criteria provided, single submitter. Criteria: GeneDx Variant Classification Process June 2021. Collection method: clinical testing. Allele origin: germline.
Comment: Not observed at significant frequency in large population cohorts (gnomAD); Has not been previously published as pathogenic or benign to our knowledge; In silico analysis indicates that this missense variant does not alter protein structure/function; In silico analysis suggests this variant may impact gene splicing. In the absence of RNA/functional studies, the actual effect of this sequence change is unknown.